The following is an entry in ClinVar:

ClinVar aggregate classification (germline): Pathogenic. Review status: criteria provided, single submitter (1 of 4 stars). 2 submissions from 2 submitters: Pathogenic (1). 1 of the submissions does not count toward it. Last evaluated 2025-06-27.

Submissions (2):

Labcorp Genetics (formerly Invitae), Labcorp
Classification: Pathogenic. Last evaluated: 2025-06-27. Review status: criteria provided, single submitter. Criteria: Invitae Variant Classification Sherloc (09022015). Collection method: clinical testing. Allele origin: germline.
Comment: This sequence change replaces serine, which is neutral and polar, with phenylalanine, which is neutral and non-polar, at codon 16 of the BEST1 protein (p.Ser16Phe). This variant is not present in population databases (gnomAD no frequency). This missense change has been observed in individuals with autosomal dominant Best vitelliform macular dystrophy (PMID: 11241846, 27078032, 28687848). It has also been observed to segregate with disease in related individuals. ClinVar contains an entry for this variant (Variation ID: 99723). Invitae Evidence Modeling of protein sequence and biophysical properties (such as structural, functional, and spatial information, amino acid conservation, physicochemical variation, residue mobility, and thermodynamic stability) indicates that this missense variant is expected to disrupt BEST1 protein function with a positive predictive value of 95%. For these reasons, this variant has been classified as Pathogenic.

Retina International
No classification provided. Review status: no classification provided. Collection method: not provided. Allele origin: not provided. Not counted in ClinVar's aggregate classification.

Literature cited by the submitters: PubMed 11241846 (cited by Labcorp Genetics (formerly Invitae), Labcorp); PubMed 27078032 (cited by Labcorp Genetics (formerly Invitae), Labcorp); PubMed 28687848 (cited by Labcorp Genetics (formerly Invitae), Labcorp).

NM_004183.4(BEST1):c.47C>T (p.Ser16Phe)

Gene: BEST1 (bestrophin 1; plus strand). Cytogenetic location: 11q12.3.
Variant type: single nucleotide variant.
Coding change: c.47C>T on transcript NM_004183.4 (MANE Select); coding-DNA position 47, C replaced by T.
Protein change: p.Ser16Phe; replaces serine 16 with phenylalanine.
Molecular consequence: missense variant. On other transcripts: non-coding transcript variant (1), intron variant (6).
Genome position (GRCh38, 1-based): chr11:61,951,853, C>T. VCF-style: chr11-61951853-C-T. GRCh37 (hg19) VCF-style: chr11-61719325-C-T.
Other names: c.47C>T, p.Ser16Phe (NM_001363592.2, NM_001440571.1, NM_001440572.1 and 1 more transcripts); c.-29+1426C>T (NM_001139443.3, NM_001300787.2, NM_001440574.1 and 3 more transcripts); short protein forms S16F.
Identifiers: ClinVar variation 99723 (VCV000099723.8), dbSNP rs281865210, ClinGen allele CA227783.